The following is an entry in ClinVar:

ClinVar aggregate classification (germline): Uncertain significance (1 of 4 stars; one submission).

Conditions:
Heterotopia, periventricular, X-linked dominant (PVNH1). Also called: PERIVENTRICULAR NODULAR HETEROTOPIA 4; HETEROTOPIA, PERIVENTRICULAR, 1; PERIVENTRICULAR NODULAR HETEROTOPIA 1; X-linked periventricular heterotopia. Identifiers: Orphanet 2149, Orphanet 82004, MedGen C1848213, MONDO:0010233, OMIM 300049.
Oto-palato-digital syndrome, type II (OPD2). Also called: Otopalatodigital Syndrome, Type II; FACIOPALATOOSSEOUS SYNDROME; OPD II SYNDROME; Otopalatodigital Syndrome Type 2 (FLNA-OPD2). Identifiers: Orphanet 669, Orphanet 90652, MedGen C1844696, MONDO:0010571, OMIM 304120.
Melnick-Needles syndrome (MNS). Also called: MELNICK-NEEDLES OSTEODYSPLASTY; OSTEODYSPLASTY OF MELNICK AND NEEDLES; Melnick-Needles Syndrome (FLNA-MNS). Identifiers: Orphanet 2484, MedGen C0025237, MONDO:0010650, OMIM 309350.
Frontometaphyseal dysplasia (FMD1). Identifiers: Orphanet 1826, MedGen C0265293, MONDO:0015942.

Submission:

Labcorp Genetics (formerly Invitae), Labcorp
Classification: Uncertain significance for Oto-palato-digital syndrome, type II; Heterotopia, periventricular, X-linked dominant; Frontometaphyseal dysplasia; Melnick-Needles syndrome. Last evaluated: 2025-04-02. Review status: criteria provided, single submitter. Criteria: Invitae Variant Classification Sherloc (09022015). Collection method: clinical testing. Allele origin: germline.
Comment: This sequence change replaces lysine, which is basic and polar, with arginine, which is basic and polar, at codon 2463 of the FLNA protein (p.Lys2463Arg). This variant is not present in population databases (gnomAD no frequency). This variant has not been reported in the literature in individuals affected with FLNA-related conditions. Invitae Evidence Modeling of protein sequence and biophysical properties (such as structural, functional, and spatial information, amino acid conservation, physicochemical variation, residue mobility, and thermodynamic stability) indicates that this missense variant is not expected to disrupt FLNA protein function with a negative predictive value of 95%. Algorithms developed to predict the effect of sequence changes on RNA splicing suggest that this variant may create or strengthen a splice site. In summary, the available evidence is currently insufficient to determine the role of this variant in disease. Therefore, it has been classified as a Variant of Uncertain Significance.

NM_001110556.2(FLNA):c.7412A>G (p.Lys2471Arg)

Gene: FLNA (filamin A; minus strand). Cytogenetic location: Xq28.
Variant type: single nucleotide variant.
Coding change: c.7412A>G on transcript NM_001110556.2 (MANE Select); coding-DNA position 7412, A replaced by G.
Protein change: p.Lys2471Arg; replaces lysine 2471 with arginine.
Molecular consequence: missense variant.
Genome position (GRCh38, 1-based): chrX:154,349,789, T>C on the plus strand (A>G on the coding strand, the complement: FLNA is on the minus strand). VCF-style: chrX-154349789-T-C. GRCh37 (hg19) VCF-style: chrX-153578157-T-C.
Other names: c.7388A>G, p.Lys2463Arg (NM_001456.4); short protein forms K2463R, K2471R.
Identifiers: ClinVar variation 4789568 (VCV004789568.1).
Genomic context (GRCh38, chrX:154,349,789, plus strand): 5'-GCCATGGGGGTATAGGTGACGCGGTAGCCCTCAGGGCACTCCTGGCAATCCATCTTCACC[T>C]TGGAGGGGCCGTCAATGGTCACCGACAGGGCACCAGCTCCCGCATTGCTCGTGTTCACGA-3'
Protein context (NP_001104026.1, residues 2461-2481): ALSVTIDGPS[Lys2471Arg]VKMDCQECPE